The following is an entry in ClinVar:

ClinVar aggregate classification (germline): Conflicting classifications of pathogenicity. Review status: criteria provided, conflicting classifications (1 of 4 stars). 6 submissions from 6 submitters: Uncertain significance (4); Likely benign (2). Last evaluated 2026-10-10.

Conditions:
ADGRV1-related disorder. Also called: ADGRV1-related condition; ADGRV1-related disorders.
Inborn genetic diseases. Identifiers: MedGen C0950123, MeSH D030342.

Allele frequency attached by ClinVar (database versions not stated): TOPMed 0.00011; gnomAD 0.00013 and 0.00014; ESP Exome Variant Server 0.00008.
gnomAD v4.1: 57 of 1,613,768 alleles (0.0035%); highest among the groups gnomAD compares: African/African-American, 0.032%; no homozygotes.

Submissions (6):

GeneDx
Classification: Uncertain significance. Last evaluated: 2026-10-10. Review status: criteria provided, single submitter. Criteria: GeneDx Variant Classification Process June 2021. Collection method: clinical testing. Allele origin: germline.
Comment: In silico analysis suggests that this missense variant does not alter protein structure/function; Has not been previously published as pathogenic or benign to our knowledge

PreventionGenetics, part of Exact Sciences
Classification: Uncertain significance for ADGRV1-related condition. Last evaluated: 2026-05-11. Review status: criteria provided, single submitter. Criteria: ACMG Guidelines, 2015. Collection method: clinical testing. Allele origin: germline.
Comment: The ADGRV1 c.14224G>A variant is predicted to result in the amino acid substitution p.Glu4742Lys. To our knowledge, this variant has not been reported in the literature. This variant is reported in 0.037% of alleles in individuals of African descent in gnomAD. At this time, the clinical significance of this variant is uncertain due to the absence of conclusive functional and genetic evidence.

Labcorp Genetics (formerly Invitae), Labcorp
Classification: Likely benign. Last evaluated: 2025-12-03. Review status: criteria provided, single submitter. Criteria: Invitae Variant Classification Sherloc (09022015). Collection method: clinical testing. Allele origin: germline.

Dasa
Classification: Uncertain significance. Last evaluated: 2025-01-14. Review status: criteria provided, single submitter. Criteria: DASA Assertion Criteria. Collection method: clinical testing. Allele origin: germline.
Comment: NM_032119.4(ADGRV1):c.14224G>A (p.Glu4742Lys) is a missense variant that results in the substitution of glutamic acid with lysine. This variant is rare in population databases. Computational prediction algorithms are consistent with a benign effect. The currently available literature and clinical evidence are not sufficient to establish a definitive association between this variant and the reported condition. Therefore, this variant is classified as a variant of uncertain significance.

Blueprint Genetics
Classification: Likely benign. Last evaluated: 2024-09-18. Review status: criteria provided, single submitter. Criteria: ACMG Guidelines, 2015. Collection method: clinical testing. Allele origin: germline.

Ambry Genetics
Classification: Uncertain significance for Inborn genetic diseases. Last evaluated: 2021-12-07. Review status: criteria provided, single submitter. Criteria: Ambry Variant Classification Scheme 2023. Collection method: clinical testing. Allele origin: germline.

NM_032119.4(ADGRV1):c.14224G>A (p.Glu4742Lys)

Gene: ADGRV1 (adhesion G protein-coupled receptor V1; plus strand). Cytogenetic location: 5q14.3.
Variant type: single nucleotide variant.
Coding change: c.14224G>A on transcript NM_032119.4 (MANE Select); coding-DNA position 14224, G replaced by A.
Protein change: p.Glu4742Lys; replaces glutamic acid 4742 with lysine.
Molecular consequence: missense variant. On other transcripts: non-coding transcript variant (1).
Genome position (GRCh38, 1-based): chr5:90,791,053, G>A. VCF-style: chr5-90791053-G-A. GRCh37 (hg19) VCF-style: chr5-90086870-G-A.
Other names: short protein forms E4742K.
Identifiers: ClinVar variation 849357 (VCV000849357.15), dbSNP rs372362723, ClinGen allele CA3341692.